The following is an entry in ClinVar:

NM_005460.4(SNCAIP):c.*253T>A

Genes: SNCAIP-AS3 (SNCAIP antisense RNA 3; minus strand), SNCAIP (synuclein alpha interacting protein; plus strand). Cytogenetic location: 5q23.2.
Variant type: single nucleotide variant.
Coding change: c.*253T>A on transcript NM_005460.4 (MANE Select); 253 bases downstream of the stop codon, T replaced by A.
Molecular consequence: 3 prime UTR variant. On other transcripts: non-coding transcript variant (2).
Genome position (GRCh38, 1-based): chr5:122,463,749, T>A. VCF-style: chr5-122463749-T-A. GRCh37 (hg19) VCF-style: chr5-121799444-T-A.
Other names: c.*174T>A (NM_001242935.3, NM_001308100.2); c.*253T>A (NM_001308105.1, NM_001308106.1, NM_001308107.2 and 2 more transcripts).
Identifiers: ClinVar variation 907910 (VCV000907910.4), dbSNP rs189562625, ClinGen allele CA125951256.
Genomic context (GRCh38, chr5:122,463,749, plus strand): 5'-AATATCAGGATGCCTTAAATTTATAGTAGTAGACTGTAAAAGATTCATTTTGGGGTGATA[T>A]CTGTATATATAACTTGTTTTTTTAAAAGATGCCGTTTAAAAGCATGATTGGGAAAATGTA-3'

ClinVar aggregate classification (germline): Likely benign (1 of 4 stars; one submission).

Conditions:
Parkinson Disease, Dominant/Recessive.

Allele frequency attached by ClinVar (database versions not stated): gnomAD 0.00034 and 0.00036; TOPMed 0.00039; 1000 Genomes Project 0.00060; 1000 Genomes Project 30x 0.00062.
gnomAD v4.1: 74 of 468,748 alleles (0.016%); highest among the groups gnomAD compares: African/African-American, 0.13%; 2 homozygotes.

Submission:

Illumina Laboratory Services, Illumina
Classification: Likely benign for Parkinson Disease, Dominant/Recessive. Last evaluated: 2018-01-13. Review status: criteria provided, single submitter. Criteria: ICSL Variant Classification Criteria 13 December 2019. Collection method: clinical testing. Allele origin: germline.
Comment: This variant was observed in the ICSL laboratory as part of a predisposition screen in an ostensibly healthy population. It had not been previously curated by ICSL or reported in the Human Gene Mutation Database (HGMD: prior to June 1st, 2018), and was therefore a candidate for classification through an automated scoring system. Utilizing variant allele frequency, disease prevalence and penetrance estimates, and inheritance mode, an automated score was calculated to assess if this variant is too frequent to cause the disease. Based on the score and internal cut-off values, a variant classified as likely benign is not then subjected to further curation. The score for this variant resulted in a classification of likely benign for this disease.